The following is an entry in ClinVar:

NM_005559.4(LAMA1):c.4538C>T (p.Pro1513Leu)

Gene: LAMA1 (laminin subunit alpha 1; minus strand). Cytogenetic location: 18p11.31.
Variant type: single nucleotide variant.
Coding change: c.4538C>T on transcript NM_005559.4 (MANE Select); coding-DNA position 4538, C replaced by T.
Protein change: p.Pro1513Leu; replaces proline 1513 with leucine.
Molecular consequence: missense variant.
Genome position (GRCh38, 1-based): chr18:6,999,570, G>A on the plus strand (C>T on the coding strand, the complement: LAMA1 is on the minus strand). VCF-style: chr18-6999570-G-A. GRCh37 (hg19) VCF-style: chr18-6999569-G-A.
Other names: short protein forms P1513L.
Identifiers: ClinVar variation 1923246 (VCV001923246.5), dbSNP rs150459295, ClinGen allele CA8881891.

ClinVar aggregate classification (germline): Uncertain significance (1 of 4 stars; one submission).

Allele frequency attached by ClinVar (database versions not stated): gnomAD exomes 0.00001; ExAC 0.00003; gnomAD 0.00003; TOPMed 0.00003; ESP Exome Variant Server 0.00008; 1000 Genomes Project 30x 0.00016; 1000 Genomes Project 0.00020.
gnomAD v4.1: 22 of 1,613,922 alleles (0.0014%); highest among the groups gnomAD compares: South Asian, 0.0033%; no homozygotes.

Submission:

Labcorp Genetics (formerly Invitae), Labcorp
Classification: Uncertain significance. Last evaluated: 2022-10-13. Review status: criteria provided, single submitter. Criteria: Invitae Variant Classification Sherloc (09022015). Collection method: clinical testing. Allele origin: germline.
Comment: This variant is present in population databases (rs150459295, gnomAD 0.007%). This sequence change replaces proline, which is neutral and non-polar, with leucine, which is neutral and non-polar, at codon 1513 of the LAMA1 protein (p.Pro1513Leu). This variant has not been reported in the literature in individuals affected with LAMA1-related conditions. In summary, the available evidence is currently insufficient to determine the role of this variant in disease. Therefore, it has been classified as a Variant of Uncertain Significance. Advanced modeling of protein sequence and biophysical properties (such as structural, functional, and spatial information, amino acid conservation, physicochemical variation, residue mobility, and thermodynamic stability) performed at Invitae indicates that this missense variant is not expected to disrupt LAMA1 protein function.